The following is an entry in ClinVar:

ClinVar aggregate classification (germline): Benign. Review status: criteria provided, single submitter (1 of 4 stars). 2 submissions from 2 submitters: Benign (1). 1 of the submissions does not count toward it. Last evaluated 2026-01-12.

Conditions:
PNKP-related disorder. Also called: PNKP-related condition; PNKP-related disorders.
Developmental and epileptic encephalopathy, 12 (DEE12). Identifiers: MedGen C3150988, MONDO:0013389, OMIM 613722.

Submissions (2):

Labcorp Genetics (formerly Invitae), Labcorp
Classification: Benign for Developmental and epileptic encephalopathy, 12. Last evaluated: 2026-01-12. Review status: criteria provided, single submitter. Criteria: Invitae Variant Classification Sherloc (09022015). Collection method: clinical testing. Allele origin: germline.

PreventionGenetics, part of Exact Sciences
Classification: Likely benign for PNKP-related condition. Last evaluated: 2019-02-22. Review status: no assertion criteria provided. Collection method: clinical testing. Allele origin: germline. Not counted in ClinVar's aggregate classification.
Comment: This variant is classified as likely benign based on ACMG/AMP sequence variant interpretation guidelines (Richards et al. 2015 PMID: 25741868, with internal and published modifications).

NM_007254.4(PNKP):c.1387-48dup

Gene: PNKP (polynucleotide kinase 3'-phosphatase; minus strand). Cytogenetic location: 19q13.33.
Variant type: Duplication.
Coding change: c.1387-48dup on transcript NM_007254.4 (MANE Select); 48 bases into the intron before coding-DNA position 1387, one base duplicated (C; older notation c.1387-48dupC).
Molecular consequence: intron variant.
Genome position (GRCh38, 1-based): chr19:49,861,558, G duplicated on the plus strand (C on the coding strand, the reverse complement: PNKP is on the minus strand); the first of 6 consecutive G bases (chr19:49,861,558-49,861,563); duplicating any one gives the same sequence. VCF-style (leftmost placement, unchanged base first): chr19-49861557-A-AG. GRCh37 (hg19) VCF-style: chr19-50364814-A-AG.
Other names: c.1387-48dupC (NM_007254.3).
Identifiers: ClinVar variation 1575095 (VCV001575095.10), dbSNP rs770848795, ClinGen allele CA9586422.